The following is an entry in ClinVar:

ClinVar aggregate classification (germline): Pathogenic (1 of 4 stars; one submission).

Conditions:
Nephronophthisis 12 (NPHP12). Identifiers: Orphanet 655, MedGen C3151186, MONDO:0013442, OMIM 613820.
Asphyxiating thoracic dystrophy 4 (SRTD4). Also called: SHORT-RIB THORACIC DYSPLASIA 4; SHORT-RIB THORACIC DYSPLASIA 4 WITH OR WITHOUT POLYDACTYLY. Identifiers: Orphanet 474, MedGen C3151185, MONDO:0013441, OMIM 613819.

Submission:

Juno Genomics, Hangzhou Juno Genomics, Inc
Classification: Pathogenic for Asphyxiating thoracic dystrophy 4; Nephronophthisis 12. Review status: criteria provided, single submitter. Criteria: ACMG Guidelines, 2015. Collection method: clinical testing. Allele origin: germline.
Comment: Absent from controls (or at extremely low frequency if recessive) in Genome Aggregation Database.;Null variant in a gene where loss of function (LOF) is a known mechanism of disease.;Patient's phenotype or family history is highly specific for a disease with a single genetic etiology.

NM_024753.5(TTC21B):c.1456dup (p.Arg486fs)

Gene: TTC21B (tetratricopeptide repeat domain 21B; minus strand). Cytogenetic location: 2q24.3.
Variant type: Duplication.
Coding change: c.1456dup on transcript NM_024753.5 (MANE Select); coding-DNA position 1456, one base duplicated (A; older notation c.1456dupA).
Protein change: p.Arg486fs; shifts the reading frame from arginine 486.
Molecular consequence: frameshift variant.
Genome position (GRCh38, 1-based): chr2:165,924,609, T duplicated on the plus strand (A on the coding strand, the reverse complement: TTC21B is on the minus strand); the first of 2 consecutive T bases (chr2:165,924,609-165,924,610); duplicating either gives the same sequence. VCF-style (leftmost placement, unchanged base first): chr2-165924608-C-CT. GRCh37 (hg19) VCF-style: chr2-166781118-C-CT.
Other names: short protein forms R486fs.
Identifiers: ClinVar variation 5019053 (VCV005019053.2).
Genomic context (GRCh38, chr2:165,924,608, plus strand): 5'-CCTGACAAATATTTCACTTTTGCTATTAGGAAGACTGTTTGCAGAAGACCTGGAACAGTT[C>CT]TTACTACAGTCTCCAGGACTGAGATGCAACGCCTGAGAAGTGGACAAAGAGGTTGCCCAG-3'